The following is an entry in ClinVar:

ClinVar aggregate classification (germline): Pathogenic/Likely pathogenic. Review status: criteria provided, multiple submitters, no conflicts (2 of 4 stars). 3 submissions from 3 submitters: Pathogenic (1); Likely pathogenic (1). 1 of the submissions does not count toward it. Last evaluated 2023-04-11.

Conditions:
Pyknodysostosis. Also called: Pycnodysostosis. Identifiers: Orphanet 763, MedGen C0238402, MONDO:0009940, OMIM 265800.

Submissions (3):

Genome-Nilou Lab
Classification: Likely pathogenic for Pyknodysostosis. Last evaluated: 2023-04-11. Review status: criteria provided, single submitter. Criteria: ACMG Guidelines, 2015. Collection method: clinical testing. Allele origin: germline. Affected: no.

Labcorp Genetics (formerly Invitae), Labcorp
Classification: Pathogenic. Last evaluated: 2022-01-01. Review status: criteria provided, single submitter. Criteria: Invitae Variant Classification Sherloc (09022015). Collection method: clinical testing. Allele origin: germline.
Comment: For these reasons, this variant has been classified as Pathogenic. This variant disrupts a region of the CTSK protein in which other variant(s) (p.Cys318Tyr) have been determined to be pathogenic (PMID: 20814951, 24057333, 27558267). This suggests that this is a clinically significant region of the protein, and that variants that disrupt it are likely to be disease-causing. ClinVar contains an entry for this variant (Variation ID: 551507). This variant has not been reported in the literature in individuals affected with CTSK-related conditions. This variant is not present in population databases (gnomAD no frequency). This sequence change creates a premature translational stop signal (p.Trp292*) in the CTSK gene. While this is not anticipated to result in nonsense mediated decay, it is expected to disrupt the last 38 amino acid(s) of the CTSK protein.

Counsyl
Classification: Likely pathogenic for Pyknodysostosis. Last evaluated: 2018-05-15. Review status: no assertion criteria provided. Collection method: clinical testing. Allele origin: unknown. Not counted in ClinVar's aggregate classification.

Literature cited by the submitters: PubMed 20814951 (cited by Labcorp Genetics (formerly Invitae), Labcorp); PubMed 24057333 (cited by Labcorp Genetics (formerly Invitae), Labcorp); PubMed 27558267 (cited by Labcorp Genetics (formerly Invitae), Labcorp); PubMed 11181082 (cited by Counsyl).

NM_000396.4(CTSK):c.876G>A (p.Trp292Ter)

Gene: CTSK (cathepsin K; minus strand). Cytogenetic location: 1q21.3.
Variant type: single nucleotide variant.
Coding change: c.876G>A on transcript NM_000396.4 (MANE Select); coding-DNA position 876, G replaced by A.
Protein change: p.Trp292Ter; replaces tryptophan 292 with a stop codon.
Molecular consequence: nonsense.
Genome position (GRCh38, 1-based): chr1:150,799,182, C>T on the plus strand (G>A on the coding strand, the complement: CTSK is on the minus strand). VCF-style: chr1-150799182-C-T. GRCh37 (hg19) VCF-style: chr1-150771658-C-T.
Other names: short protein forms W292*.
Identifiers: ClinVar variation 551507 (VCV000551507.7), dbSNP rs1553196900, ClinGen allele CA342335720.